The following is an entry in ClinVar:

ClinVar aggregate classification (germline): Likely pathogenic. Review status: criteria provided, multiple submitters, no conflicts (2 of 4 stars). 4 submissions from 4 submitters: Likely pathogenic (4). Last evaluated 2024-12-19.

Conditions:
Congenital microcephaly - severe encephalopathy - progressive cerebral atrophy syndrome. Also called: ASNS DEFICIENCY; Asparagine synthetase deficiency. Identifiers: Orphanet 391376, MedGen C3809971, MONDO:0014258, OMIM 615574.

Allele frequency attached by ClinVar (database versions not stated): gnomAD exomes below 0.00001; ExAC 0.00001.

Submissions (4):

Natera, Inc.
Classification: Likely pathogenic for Asparagine synthetase deficiency. Last evaluated: 2024-12-19. Review status: criteria provided, single submitter. Criteria: Natera Variant Classification Schema (03/2026). Collection method: clinical testing. Allele origin: germline.
Comment: The c.1030+1G>A variant in ASNS is a canonical splice donor site variant predicted to affect pre-mRNA splicing, which may result in an abnormal transcript and altered protein product. This variant is expected to result in nonsense mediated decay, truncation, or a dysfunctional protein product. This variant is rare in the general population with a frequency below the threshold expected for the associated phenotype(s). Given the available evidence, this variant is classified as Likely Pathogenic.

Labcorp Genetics (formerly Invitae), Labcorp
Classification: Likely pathogenic. Last evaluated: 2024-07-25. Review status: criteria provided, single submitter. Criteria: Invitae Variant Classification Sherloc (09022015). Collection method: clinical testing. Allele origin: germline.
Comment: This sequence change affects a donor splice site in intron 8 of the ASNS gene. It is expected to disrupt RNA splicing. Variants that disrupt the donor or acceptor splice site typically lead to a loss of protein function (PMID: 16199547), and loss-of-function variants in ASNS are known to be pathogenic (PMID: 27422383, 30057589). This variant is present in population databases (rs780288372, gnomAD 0.0009%). This variant has not been reported in the literature in individuals affected with ASNS-related conditions. ClinVar contains an entry for this variant (Variation ID: 434401). Algorithms developed to predict the effect of sequence changes on RNA splicing suggest that this variant may disrupt the consensus splice site. In summary, the currently available evidence indicates that the variant is pathogenic, but additional data are needed to prove that conclusively. Therefore, this variant has been classified as Likely Pathogenic.

Fulgent Genetics
Classification: Likely pathogenic for Congenital microcephaly - severe encephalopathy - progressive cerebral atrophy syndrome. Last evaluated: 2024-06-20. Review status: criteria provided, single submitter. Criteria: ACMG Guidelines, 2015. Collection method: clinical testing. Allele origin: germline.

Genetic Services Laboratory, University of Chicago
Classification: Likely pathogenic for Asparagine synthetase deficiency. Last evaluated: 2016-11-30. Review status: criteria provided, single submitter. Criteria: ACMG Guidelines, 2015. Collection method: clinical testing. Allele origin: germline. Affected: yes.

Literature cited by the submitters: PubMed 16199547 (cited by Labcorp Genetics (formerly Invitae), Labcorp); PubMed 27422383 (cited by Labcorp Genetics (formerly Invitae), Labcorp); PubMed 30057589 (cited by Labcorp Genetics (formerly Invitae), Labcorp).

NM_001673.5(ASNS):c.1030+1G>A

Genes: ASNS (asparagine synthetase (glutamine-hydrolyzing); minus strand), CZ1P-ASNS (CZ1P-ASNS readthrough; minus strand). Cytogenetic location: 7q21.3.
Variant type: single nucleotide variant.
Coding change: c.1030+1G>A on transcript NM_001673.5 (MANE Select); the canonical splice donor site of the intron after coding-DNA position 1030, G replaced by A.
Molecular consequence: splice donor variant.
Genome position (GRCh38, 1-based): chr7:97,856,689, C>T on the plus strand (G>A on the coding strand, the complement: ASNS is on the minus strand). VCF-style: chr7-97856689-C-T. GRCh37 (hg19) VCF-style: chr7-97486001-C-T.
Other names: c.1030+1G>A (NM_001352496.2, NM_183356.4, NM_133436.3); c.781+1G>A (NM_001178076.2, NM_001178077.1); c.967+1G>A (NM_001178075.2).
Identifiers: ClinVar variation 434401 (VCV000434401.10), dbSNP rs780288372, ClinGen allele CA4354631.
Genomic context (GRCh38, chr7:97,856,689, plus strand): 5'-ACCTTACATTTTTTTCAGTATTAAAAAAAGCTTTTTATTTAAGAATATCATAATACCTTA[C>T]CTACTGAAGCACGAACTGTTGTAATGTCATAAGTTTCCAAGGAAAATATGACTTCATCCA-3'